The following is an entry in ClinVar:

NM_207352.4(CYP4V2):c.518T>G (p.Leu173Trp)

Gene: CYP4V2 (cytochrome P450 family 4 subfamily V member 2; plus strand). Cytogenetic location: 4q35.1.
Variant type: single nucleotide variant.
Coding change: c.518T>G on transcript NM_207352.4 (MANE Select); coding-DNA position 518, T replaced by G.
Protein change: p.Leu173Trp; replaces leucine 173 with tryptophan.
Molecular consequence: missense variant.
Genome position (GRCh38, 1-based): chr4:186,197,044, T>G. VCF-style: chr4-186197044-T-G. GRCh37 (hg19) VCF-style: chr4-187118198-T-G.
Other names: c.823T>G; short protein forms L173W.
Identifiers: ClinVar variation 39266 (VCV000039266.6), dbSNP rs199476190, ClinGen allele CA343733.

ClinVar aggregate classification (germline): Pathogenic/Likely pathogenic. Review status: criteria provided, multiple submitters, no conflicts (2 of 4 stars). 4 submissions from 4 submitters: Pathogenic (1); Likely pathogenic (2). 1 of the submissions does not count toward it. Last evaluated 2023-10-01.

Conditions:
CYP4V2-related disorder. Also called: CYP4V2-related condition; CYP4V2-related disorders.
Retinal dystrophy. Also called: Inherited retinal dystrophy. Identifiers: Orphanet 71862, MedGen C0854723, MeSH D058499, MONDO:0019118, HP:0000556.
Bietti crystalline corneoretinal dystrophy (BCD). Also called: BIETTI TAPETORETINAL DEGENERATION WITH MARGINAL CORNEAL DYSTROPHY; Bietti Crystalline Dystrophy. Identifiers: Orphanet 41751, MedGen C1859486, MONDO:0008865, OMIM 210370.

Allele frequency attached by ClinVar (database versions not stated): gnomAD exomes 0.00002.
gnomAD v4.1: 11 of 1,613,640 alleles (0.00068%); highest among the groups gnomAD compares: East Asian, 0.025%; 1 homozygote.

Submissions (4):

Dept Of Ophthalmology, Nagoya University
Classification: Likely pathogenic for Retinal dystrophy. Last evaluated: 2023-10-01. Review status: criteria provided, single submitter. Criteria: Submitter's publication. Collection method: research. Allele origin: germline. Affected: yes.

Mendelics
Classification: Pathogenic for Bietti crystalline corneoretinal dystrophy. Last evaluated: 2022-05-04. Review status: criteria provided, single submitter. Criteria: Mendelics Assertion Criteria 2019. Collection method: clinical testing. Allele origin: germline.

Blueprint Genetics
Classification: Likely pathogenic for CYP4V2-related disorders. Last evaluated: 2020-08-21. Review status: criteria provided, single submitter. Criteria: ACMG Guidelines, 2015. Collection method: clinical testing. Allele origin: germline. Affected: yes. Observed: 1 variant allele.

GeneReviews
Classification: Pathogenic for Bietti Crystalline Dystrophy. Last evaluated: 2012-04-12. Review status: no assertion criteria provided. Collection method: curation. Allele origin: unknown. Not counted in ClinVar's aggregate classification.
ClinVar note: Converted during submission from pathologic to Pathogenic.